The following is an entry in ClinVar:

ClinVar aggregate classification (germline): Uncertain significance. Review status: criteria provided, single submitter (1 of 4 stars). 2 submissions from 2 submitters: Uncertain significance (1). 1 of the submissions does not count toward it. Last evaluated 2018-01-13.

Conditions:
SERPING1-related disorder. Also called: SERPING1-related condition.
Hereditary angioedema type 1 (HAE1). Identifiers: Orphanet 100050, Orphanet 100051, Orphanet 91378, MedGen C2717906, MONDO:0015053, OMIM 106100.

Allele frequency attached by ClinVar (database versions not stated): TOPMed 0.00006.

Submissions (2):

Illumina Laboratory Services, Illumina
Classification: Uncertain significance for Hereditary angioedema type 1. Last evaluated: 2018-01-13. Review status: criteria provided, single submitter. Criteria: ICSL Variant Classification Criteria 13 December 2019. Collection method: clinical testing. Allele origin: germline.

PreventionGenetics, part of Exact Sciences
Classification: Likely benign for SERPING1-related condition. Last evaluated: 2024-07-31. Review status: no assertion criteria provided. Collection method: clinical testing. Allele origin: germline. Not counted in ClinVar's aggregate classification.
Comment: This variant is classified as likely benign based on ACMG/AMP sequence variant interpretation guidelines (Richards et al. 2015 PMID: 25741868, with internal and published modifications).

NM_000062.2(SERPING1):c.-105C>A

Gene: SERPING1 (serpin family G member 1; plus strand). Cytogenetic location: 11q12.1.
Variant type: single nucleotide variant.
Coding change: c.-105C>A on transcript NM_000062.2; 105 bases upstream of the start codon, C replaced by A.
Genome position (GRCh38, 1-based): chr11:57,597,640, C>A. VCF-style: chr11-57597640-C-A. GRCh37 (hg19) VCF-style: chr11-57365113-C-A.
Identifiers: ClinVar variation 305010 (VCV000305010.8), dbSNP rs886048397, ClinGen allele CA10635068.